The following is an entry in ClinVar:

NM_000426.4(LAMA2):c.3844A>C (p.Thr1282Pro)

Gene: LAMA2 (laminin subunit alpha 2; plus strand). Cytogenetic location: 6q22.33.
Variant type: single nucleotide variant.
Coding change: c.3844A>C on transcript NM_000426.4 (MANE Select); coding-DNA position 3844, A replaced by C.
Protein change: p.Thr1282Pro; replaces threonine 1282 with proline.
Molecular consequence: missense variant.
Genome position (GRCh38, 1-based): chr6:129,315,870, A>C. VCF-style: chr6-129315870-A-C. GRCh37 (hg19) VCF-style: chr6-129637015-A-C.
Other names: c.3844A>C, p.Thr1282Pro (NM_001079823.2); short protein forms T1282P.
Identifiers: ClinVar variation 966139 (VCV000966139.4), dbSNP rs376886784, ClinGen allele CA3993371.

ClinVar aggregate classification (germline): Uncertain significance. Review status: criteria provided, multiple submitters, no conflicts (2 of 4 stars). 2 submissions from 2 submitters: Uncertain significance (2). Last evaluated 2025-03-07.

Conditions:
Inborn genetic diseases. Identifiers: MedGen C0950123, MeSH D030342.
LAMA2-related muscular dystrophy (LAMA2-RD). Also called: Laminin alpha 2-related dystrophy. Identifiers: MedGen C5679788, MONDO:0100228.

Allele frequency attached by ClinVar (database versions not stated): gnomAD exomes below 0.00001 and 0.00002; ExAC 0.00001.
gnomAD v4.1: 6 of 1,614,018 alleles (0.00037%); highest among the groups gnomAD compares: East Asian, 0.0067%; no homozygotes.

Submissions (2):

Ambry Genetics
Classification: Uncertain significance for Inborn genetic diseases. Last evaluated: 2025-03-07. Review status: criteria provided, single submitter. Criteria: Ambry Variant Classification Scheme 2023. Collection method: clinical testing. Allele origin: germline.

Labcorp Genetics (formerly Invitae), Labcorp
Classification: Uncertain significance for LAMA2-related muscular dystrophy. Last evaluated: 2022-07-19. Review status: criteria provided, single submitter. Criteria: Invitae Variant Classification Sherloc (09022015). Collection method: clinical testing. Allele origin: germline.
Comment: This sequence change replaces threonine, which is neutral and polar, with proline, which is neutral and non-polar, at codon 1282 of the LAMA2 protein (p.Thr1282Pro). This variant is present in population databases (rs376886784, gnomAD 0.02%). This variant has not been reported in the literature in individuals affected with LAMA2-related conditions. ClinVar contains an entry for this variant (Variation ID: 966139). Advanced modeling of protein sequence and biophysical properties (such as structural, functional, and spatial information, amino acid conservation, physicochemical variation, residue mobility, and thermodynamic stability) performed at Invitae indicates that this missense variant is not expected to disrupt LAMA2 protein function. In summary, the available evidence is currently insufficient to determine the role of this variant in disease. Therefore, it has been classified as a Variant of Uncertain Significance.